The following is an entry in ClinVar:

ClinVar aggregate classification (germline): Uncertain significance. Review status: criteria provided, multiple submitters, no conflicts (2 of 4 stars). 2 submissions from 2 submitters: Uncertain significance (2). Last evaluated 2026-01-20.

Conditions:
Hereditary cancer-predisposing syndrome. Also called: Tumor predisposition; Neoplastic Syndromes, Hereditary; Hereditary Cancer Syndrome; Hereditary neoplastic syndrome. Identifiers: Orphanet 140162, MedGen C0027672, MeSH D009386, MONDO:0015356.
Birt-Hogg-Dube syndrome. Also called: Birt Hogg Dubé syndrome. Identifiers: Orphanet 122, MedGen C0346010, MONDO:0800444.

Allele frequency attached by ClinVar (database versions not stated): gnomAD exomes below 0.00001.

Submissions (2):

Labcorp Genetics (formerly Invitae), Labcorp
Classification: Uncertain significance for Birt-Hogg-Dube syndrome. Last evaluated: 2026-01-20. Review status: criteria provided, single submitter. Criteria: Invitae Variant Classification Sherloc (09022015). Collection method: clinical testing. Allele origin: germline.
Comment: This sequence change replaces proline, which is neutral and non-polar, with threonine, which is neutral and polar, at codon 187 of the FLCN protein (p.Pro187Thr). This variant is present in population databases (no rsID available, gnomAD 0.003%). This variant has not been reported in the literature in individuals affected with FLCN-related conditions. ClinVar contains an entry for this variant (Variation ID: 1056626). Invitae Evidence Modeling of protein sequence and biophysical properties (such as structural, functional, and spatial information, amino acid conservation, physicochemical variation, residue mobility, and thermodynamic stability) indicates that this missense variant is not expected to disrupt FLCN protein function with a negative predictive value of 80%. In summary, the available evidence is currently insufficient to determine the role of this variant in disease. Therefore, it has been classified as a Variant of Uncertain Significance.

Ambry Genetics
Classification: Uncertain significance for Hereditary cancer-predisposing syndrome. Last evaluated: 2024-07-31. Review status: criteria provided, single submitter. Criteria: Ambry Variant Classification Scheme 2023. Collection method: clinical testing. Allele origin: germline.
Comment: The p.P187T variant (also known as c.559C>A), located in coding exon 3 of the FLCN gene, results from a C to A substitution at nucleotide position 559. The proline at codon 187 is replaced by threonine, an amino acid with highly similar properties. This amino acid position is highly conserved in available vertebrate species. In addition, this alteration is predicted to be deleterious by in silico analysis. Since supporting evidence is limited at this time, the clinical significance of this alteration remains unclear.

NM_144997.7(FLCN):c.559C>A (p.Pro187Thr)

Gene: FLCN (folliculin; minus strand). Cytogenetic location: 17p11.2.
Variant type: single nucleotide variant.
Coding change: c.559C>A on transcript NM_144997.7 (MANE Select); coding-DNA position 559, C replaced by A.
Protein change: p.Pro187Thr; replaces proline 187 with threonine.
Molecular consequence: missense variant.
Genome position (GRCh38, 1-based): chr17:17,223,981, G>T on the plus strand (C>A on the coding strand, the complement: FLCN is on the minus strand). VCF-style: chr17-17223981-G-T. GRCh37 (hg19) VCF-style: chr17-17127295-G-T.
Other names: c.613C>A, p.Pro205Thr (NM_001353229.2); c.559C>A, p.Pro187Thr (NM_001353230.2, NM_001353231.2, NM_144606.7); short protein forms P187T, P205T.
Identifiers: ClinVar variation 1056626 (VCV001056626.6), dbSNP rs1473012462, ClinGen allele CA398534289.